The following is an entry in ClinVar:

ClinVar aggregate classification (germline): Uncertain significance (1 of 4 stars; one submission).

Conditions:
Dyskeratosis congenita. Identifiers: Orphanet 1775, MedGen C0265965, MONDO:0015780.

Allele frequency attached by ClinVar (database versions not stated): gnomAD exomes below 0.00001.

Submission:

Labcorp Genetics (formerly Invitae), Labcorp
Classification: Uncertain significance for Dyskeratosis congenita. Last evaluated: 2022-11-21. Review status: criteria provided, single submitter. Criteria: Invitae Variant Classification Sherloc (09022015). Collection method: clinical testing. Allele origin: germline.
Comment: In summary, the available evidence is currently insufficient to determine the role of this variant in disease. Therefore, it has been classified as a Variant of Uncertain Significance. Algorithms developed to predict the effect of missense changes on protein structure and function are either unavailable or do not agree on the potential impact of this missense change (SIFT: "Deleterious"; PolyPhen-2: "Benign"; Align-GVGD: "Class C25"). This variant has not been reported in the literature in individuals affected with TINF2-related conditions. This variant is not present in population databases (gnomAD no frequency). This sequence change replaces valine, which is neutral and non-polar, with isoleucine, which is neutral and non-polar, at codon 22 of the TINF2 protein (p.Val22Ile).

NM_001099274.3(TINF2):c.64G>A (p.Val22Ile)

Genes: TINF2 (TERF1 interacting nuclear factor 2; minus strand), LOC130055403 (ATAC-STARR-seq lymphoblastoid active region 8199; plus strand). Cytogenetic location: 14q12.
Variant type: single nucleotide variant.
Coding change: c.64G>A on transcript NM_001099274.3 (MANE Select); coding-DNA position 64, G replaced by A.
Protein change: p.Val22Ile; replaces valine 22 with isoleucine.
Molecular consequence: missense variant.
Genome position (GRCh38, 1-based): chr14:24,242,269, C>T on the plus strand (G>A on the coding strand, the complement: TINF2 is on the minus strand). VCF-style: chr14-24242269-C-T. GRCh37 (hg19) VCF-style: chr14-24711475-C-T.
Other names: c.64G>A, p.Val22Ile (NM_001363668.2, NM_012461.3); short protein forms V22I.
Identifiers: ClinVar variation 2162115 (VCV002162115.4), dbSNP rs2502468203, ClinGen allele CA389236492.